The following is an entry in ClinVar:

ClinVar aggregate classification (germline): Pathogenic (1 of 4 stars; one submission).

Conditions:
Nephronophthisis 15 (NPHP15). Identifiers: Orphanet 3156, MedGen C3541853, MONDO:0013917, OMIM 614845.

Submission:

Labcorp Genetics (formerly Invitae), Labcorp
Classification: Pathogenic for Nephronophthisis 15. Last evaluated: 2024-03-13. Review status: criteria provided, single submitter. Criteria: Invitae Variant Classification Sherloc (09022015). Collection method: clinical testing. Allele origin: germline.
Comment: This sequence change creates a premature translational stop signal (p.Val902Glufs*9) in the CEP164 gene. It is expected to result in an absent or disrupted protein product. Loss-of-function variants in CEP164 are known to be pathogenic (PMID: 22863007, 28125082, 32367404, 34132027, 34499853). This variant is not present in population databases (gnomAD no frequency). This variant has not been reported in the literature in individuals affected with CEP164-related conditions. For these reasons, this variant has been classified as Pathogenic.

Literature cited by the submitters: PubMed 22863007; PubMed 28125082; PubMed 32367404; PubMed 34132027; PubMed 34499853.

NM_014956.5(CEP164):c.2705_2706del (p.Val902fs)

Gene: CEP164 (centrosomal protein 164; plus strand). Cytogenetic location: 11q23.3.
Variant type: Microsatellite.
Coding change: c.2705_2706del on transcript NM_014956.5 (MANE Select); coding-DNA positions 2705 to 2706, 2 bases deleted (TG; older notation c.2705_2706delTG).
Protein change: p.Val902fs; shifts the reading frame from valine 902.
Molecular consequence: frameshift variant.
Genome position (GRCh38, 1-based): chr11:117,394,438-117,394,439, TG deleted; deleting any 2 consecutive bases within chr11:117,394,436-117,394,439 gives the same sequence; the c. name uses the placement nearest the transcript's 3' end. VCF-style (leftmost placement, unchanged base first): chr11-117394435-CTG-C. GRCh37 (hg19) VCF-style: chr11-117265151-CTG-C.
Other names: c.2714_2715del, p.Val905fs (NM_001271933.2); short protein forms V902fs, V905fs.
Identifiers: ClinVar variation 3645848 (VCV003645848.2).